The following is an entry in ClinVar:

ClinVar aggregate classification (germline): Pathogenic (1 of 4 stars; one submission).

Conditions:
Familial hypercholesterolemia. Also called: Familial hypercholesterolemias; Familial hypercholesterolaemia. Identifiers: MedGen C0020445, MONDO:0005439.

Submission:

Genetics Laboratory, Great Ormond Street Hospital NHS Foundation Trust, North Thames Genomic Laboratory Hub
Classification: Pathogenic for Familial hypercholesterolaemia. Last evaluated: 2026-08-12. Review status: criteria provided, single submitter. Criteria: ACGS Best Practice Guidelines for Variant Classification in Rare Disease 2024 v1.2. Collection method: clinical testing. Allele origin: germline. Affected: yes.
Comment: PM2_moderate, PVS1_very-strong, PM3_supporting

NM_015627.3(LDLRAP1):c.415del (p.Gln139fs)

Gene: LDLRAP1 (low density lipoprotein receptor adaptor protein 1; plus strand). Cytogenetic location: 1p36.11.
Variant type: Deletion.
Coding change: c.415del on transcript NM_015627.3 (MANE Select); coding-DNA position 415, one base deleted (C; older notation c.415delC).
Protein change: p.Gln139fs; shifts the reading frame from glutamine 139.
Molecular consequence: frameshift variant.
Genome position (GRCh38, 1-based): chr1:25,557,223, C deleted; the last of 2 consecutive C bases (chr1:25,557,222-25,557,223); deleting either gives the same sequence. VCF-style (leftmost placement, unchanged base first): chr1-25557221-AC-A. GRCh37 (hg19) VCF-style: chr1-25883712-AC-A.
Other names: short protein forms Q139fs.
Identifiers: ClinVar variation 5016515 (VCV005016515.1).